The following is an entry in ClinVar:

ClinVar aggregate classification (germline): Uncertain significance (1 of 4 stars; one submission).

Submission:

Labcorp Genetics (formerly Invitae), Labcorp
Classification: Uncertain significance. Last evaluated: 2025-10-10. Review status: criteria provided, single submitter. Criteria: Invitae Variant Classification Sherloc (09022015). Collection method: clinical testing. Allele origin: germline.
Comment: This sequence change replaces glycine, which is neutral and non-polar, with valine, which is neutral and non-polar, at codon 805 of the AHDC1 protein (p.Gly805Val). This variant is not present in population databases (gnomAD no frequency). This variant has not been reported in the literature in individuals affected with AHDC1-related conditions. An algorithm developed to predict the effect of missense changes on protein structure and function (PolyPhen-2) suggests that this variant is likely to be disruptive. In summary, the available evidence is currently insufficient to determine the role of this variant in disease. Therefore, it has been classified as a Variant of Uncertain Significance.

NM_001371928.1(AHDC1):c.2414G>T (p.Gly805Val)

Gene: AHDC1 (AT-hook DNA binding motif containing 1; minus strand). Cytogenetic location: 1p36.11.
Variant type: single nucleotide variant.
Coding change: c.2414G>T on transcript NM_001371928.1 (MANE Select); coding-DNA position 2414, G replaced by T.
Protein change: p.Gly805Val; replaces glycine 805 with valine.
Molecular consequence: missense variant.
Genome position (GRCh38, 1-based): chr1:27,549,702, C>A on the plus strand (G>T on the coding strand, the complement: AHDC1 is on the minus strand). VCF-style: chr1-27549702-C-A. GRCh37 (hg19) VCF-style: chr1-27876213-C-A.
Other names: c.2414G>T, p.Gly805Val (NM_001029882.3); short protein forms G805V.
Identifiers: ClinVar variation 4728889 (VCV004728889.1).
Genomic context (GRCh38, chr1:27,549,702, plus strand): 5'-TGGCCTGAGGGTGCACCCGTGCTGTAGTAGCTGCCACGGCCTGAGGCTCCACTCTCCAGC[C>A]CAGTGGAGGCAAAGGCCCGGGCCTCGGTCCCCTGAAACCCACAGTTTCGGCCAGCTTGTC-3'
Protein context (NP_001358857.1, residues 795-815): GTEARAFAST[Gly805Val]LESGASGRGS